The following is an entry in ClinVar:

ClinVar aggregate classification (germline): Uncertain significance (1 of 4 stars; one submission).

Conditions:
Epileptic encephalopathy. Identifiers: MedGen C0543888, HP:0200134.

Allele frequency attached by ClinVar (database versions not stated): ExAC 0.00001.
gnomAD v4.1: 9 of 1,612,938 alleles (0.00056%); highest among the groups gnomAD compares: African/African-American, 0.0013%; no homozygotes.

Submission:

Labcorp Genetics (formerly Invitae), Labcorp
Classification: Uncertain significance for Epileptic encephalopathy. Last evaluated: 2023-03-24. Review status: criteria provided, single submitter. Criteria: Invitae Variant Classification Sherloc (09022015). Collection method: clinical testing. Allele origin: germline.
Comment: This sequence change replaces arginine, which is basic and polar, with histidine, which is basic and polar, at codon 2428 of the FASN protein (p.Arg2428His). This variant is present in population databases (rs745397050, gnomAD 0.0009%). This variant has not been reported in the literature in individuals affected with FASN-related conditions. An algorithm developed to predict the effect of missense changes on protein structure and function (PolyPhen-2) suggests that this variant is likely to be tolerated. In summary, the available evidence is currently insufficient to determine the role of this variant in disease. Therefore, it has been classified as a Variant of Uncertain Significance.

NM_004104.5(FASN):c.7283G>A (p.Arg2428His)

Genes: FASN (fatty acid synthase; minus strand), LOC129390948 (MPRA-validated peak3028 silencer; plus strand). Cytogenetic location: 17q25.3.
Variant type: single nucleotide variant.
Coding change: c.7283G>A on transcript NM_004104.5 (MANE Select); coding-DNA position 7283, G replaced by A.
Protein change: p.Arg2428His; replaces arginine 2428 with histidine.
Molecular consequence: missense variant.
Genome position (GRCh38, 1-based): chr17:82,079,472, C>T on the plus strand (G>A on the coding strand, the complement: FASN is on the minus strand). VCF-style: chr17-82079472-C-T. GRCh37 (hg19) VCF-style: chr17-80037348-C-T.
Other names: short protein forms R2428H.
Identifiers: ClinVar variation 2983153 (VCV002983153.3), dbSNP rs745397050, ClinGen allele CA8851048.